The following is an entry in ClinVar:

NM_000132.4(F8):c.3236G>A (p.Arg1079Lys)

Gene: F8 (coagulation factor VIII; minus strand). Cytogenetic location: Xq28.
Variant type: single nucleotide variant.
Coding change: c.3236G>A on transcript NM_000132.4 (MANE Select); coding-DNA position 3236, G replaced by A.
Protein change: p.Arg1079Lys; replaces arginine 1079 with lysine.
Molecular consequence: missense variant.
Genome position (GRCh38, 1-based): chrX:154,930,554, C>T on the plus strand (G>A on the coding strand, the complement: F8 is on the minus strand). VCF-style: chrX-154930554-C-T. GRCh37 (hg19) VCF-style: chrX-154158829-C-T.
Other names: short protein forms R1079K.
Identifiers: ClinVar variation 912879 (VCV000912879.17), dbSNP rs143174629, ClinGen allele CA10568237.

ClinVar aggregate classification (germline): Benign/Likely benign. Review status: criteria provided, multiple submitters, no conflicts (2 of 4 stars). 6 submissions from 6 submitters: Benign (3); Likely benign (3). Last evaluated 2025-07-01.

Conditions:
Hereditary factor VIII deficiency disease (HEMA). Also called: AUTOSOMAL HEMOPHILIA A; HEMOPHILIA, CLASSIC; Hemophilia A; Hemophilia A, congenital; HEM A; Factor 8 deficiency, congenital. Identifiers: Orphanet 98878, MedGen C0019069, MONDO:0010602, OMIM 306700.

Allele frequency attached by ClinVar (database versions not stated): ESP Exome Variant Server 0.00256; gnomAD exomes 0.00036; ExAC 0.00048; 1000 Genomes Project 30x 0.00104; 1000 Genomes Project 0.00106; gnomAD 0.00126 and 0.00136; TOPMed 0.00157.
gnomAD v4.1: 294 of 1,209,620 alleles (0.024%); highest among the groups gnomAD compares: African/African-American, 0.48%; no homozygotes.

Submissions (6):

CeGaT Center for Human Genetics Tuebingen
Classification: Likely benign. Last evaluated: 2025-07-01. Review status: criteria provided, single submitter. Criteria: CeGaT Center For Human Genetics Tuebingen Variant Classification Criteria Version 2. Collection method: clinical testing. Allele origin: germline. Affected: yes. Observed: 1 variant allele.
Comment: F8: BS2

Women's Health and Genetics/Laboratory Corporation of America, LabCorp
Classification: Likely benign. Last evaluated: 2025-06-03. Review status: criteria provided, single submitter. Criteria: LabCorp Variant Classification Summary - May 2015. Collection method: clinical testing. Allele origin: germline.
Comment: Variant summary: F8 c.3236G>A (p.Arg1079Lys) results in a conservative amino acid change in the encoded protein sequence. Algorithms developed to predict the effect of missense changes on protein structure and function are either unavailable or do not agree on the potential impact of this missense change. The variant allele was found at a frequency of 0.00036 in 182834 control chromosomes, predominantly at a frequency of 0.0049 within the African or African-American subpopulation in the gnomAD database. This includes many hemizygous males, suggesting the variant is a benign polymorphism. c.3236G>A has been observed in an individual(s) affected with Factor VIII Deficiency (Hemophilia A)(Johnsen_JTH_2022). This report does not provide unequivocal conclusions about association of the variant with Factor VIII Deficiency (Hemophilia A). To our knowledge, no experimental evidence demonstrating an impact on protein function has been reported. The following publication has been ascertained in the context of this evaluation (PMID: 35770352). ClinVar contains an entry for this variant (Variation ID: 912879). Based on the evidence outlined above, the variant was classified as likely benign.

Blueprint Genetics
Classification: Likely benign. Last evaluated: 2024-09-13. Review status: criteria provided, single submitter. Criteria: ACMG Guidelines, 2015. Collection method: clinical testing. Allele origin: germline.

ARUP Laboratories, Molecular Genetics and Genomics, ARUP Laboratories
Classification: Benign. Last evaluated: 2023-06-29. Review status: criteria provided, single submitter. Criteria: ARUP Molecular Germline Variant Investigation Process 2024. Collection method: clinical testing. Allele origin: germline.

Illumina Laboratory Services, Illumina
Classification: Benign for Hereditary factor VIII deficiency disease. Last evaluated: 2018-01-13. Review status: criteria provided, single submitter. Criteria: ICSL Variant Classification Criteria 13 December 2019. Collection method: clinical testing. Allele origin: germline.
Comment: This variant was observed in the ICSL laboratory as part of a predisposition screen in an ostensibly healthy population. It had not been previously curated by ICSL or reported in the Human Gene Mutation Database (HGMD: prior to June 1st, 2018), and was therefore a candidate for classification through an automated scoring system. Utilizing variant allele frequency, disease prevalence and penetrance estimates, and inheritance mode, an automated score was calculated to assess if this variant is too frequent to cause the disease. Based on the score and internal cut-off values, a variant classified as benign is not then subjected to further curation. The score for this variant resulted in a classification of benign for this disease.

Breakthrough Genomics
Classification: Benign. Review status: criteria provided, single submitter. Criteria: ACMG Guidelines, 2015. Collection method: not provided. Allele origin: germline. Inheritance: X-linked inheritance. Affected: yes.

Literature cited by the submitters: PubMed 35770352 (cited by Women's Health and Genetics/Laboratory Corporation of America, LabCorp).